The following is an entry in ClinVar:

NM_013275.6(ANKRD11):c.5296G>A (p.Val1766Met)

Gene: ANKRD11 (ankyrin repeat domain 11; minus strand). Cytogenetic location: 16q24.3.
Variant type: single nucleotide variant.
Coding change: c.5296G>A on transcript NM_013275.6 (MANE Select); coding-DNA position 5296, G replaced by A.
Protein change: p.Val1766Met; replaces valine 1766 with methionine.
Molecular consequence: missense variant.
Genome position (GRCh38, 1-based): chr16:89,281,246, C>T on the plus strand (G>A on the coding strand, the complement: ANKRD11 is on the minus strand). VCF-style: chr16-89281246-C-T. GRCh37 (hg19) VCF-style: chr16-89347654-C-T.
Other names: c.5296G>A, p.Val1766Met (NM_001256182.2, NM_001256183.2); short protein forms V1766M.
Identifiers: ClinVar variation 589371 (VCV000589371.8), dbSNP rs751326964, ClinGen allele CA8241885.

ClinVar aggregate classification (germline): Uncertain significance. Review status: criteria provided, multiple submitters, no conflicts (2 of 4 stars). 2 submissions from 2 submitters: Uncertain significance (2). Last evaluated 2024-04-29.

Conditions:
Inborn genetic diseases. Identifiers: MedGen C0950123, MeSH D030342.
KBG syndrome (KBGS). Also called: ANKRD11-Related KBG Syndrome. Identifiers: Orphanet 2332, MedGen C0220687, MONDO:0007846, OMIM 148050.

Allele frequency attached by ClinVar (database versions not stated): ExAC 0.00002.
gnomAD v4.1: 14 of 1,614,166 alleles (0.00087%); highest among the groups gnomAD compares: South Asian, 0.011%; no homozygotes.

Submissions (2):

Labcorp Genetics (formerly Invitae), Labcorp
Classification: Uncertain significance for KBG syndrome. Last evaluated: 2024-04-29. Review status: criteria provided, single submitter. Criteria: Invitae Variant Classification Sherloc (09022015). Collection method: clinical testing. Allele origin: germline.
Comment: This sequence change replaces valine, which is neutral and non-polar, with methionine, which is neutral and non-polar, at codon 1766 of the ANKRD11 protein (p.Val1766Met). This variant is present in population databases (rs751326964, gnomAD 0.006%). This variant has not been reported in the literature in individuals affected with ANKRD11-related conditions. ClinVar contains an entry for this variant (Variation ID: 589371). Advanced modeling of protein sequence and biophysical properties (such as structural, functional, and spatial information, amino acid conservation, physicochemical variation, residue mobility, and thermodynamic stability) performed at Invitae indicates that this missense variant is not expected to disrupt ANKRD11 protein function with a negative predictive value of 95%. In summary, the available evidence is currently insufficient to determine the role of this variant in disease. Therefore, it has been classified as a Variant of Uncertain Significance.

Ambry Genetics
Classification: Uncertain significance for Inborn genetic diseases. Last evaluated: 2016-08-31. Review status: criteria provided, single submitter. Criteria: Ambry Variant Classification Scheme 2023. Collection method: clinical testing. Allele origin: germline.
Comment: The p.V1766M variant (also known as c.5296G>A), located in coding exon 7 of the ANKRD11 gene, results from a G to A substitution at nucleotide position 5296. The valine at codon 1766 is replaced by methionine, an amino acid with highly similar properties. This variant was not reported in population based cohorts in the following databases: Database of Single Nucleotide Polymorphisms (dbSNP), NHLBI Exome Sequencing Project (ESP), and 1000 Genomes Project. In the ESP, this variant was not observed in 6497 samples (12994 alleles) with coverage at this position. This amino acid position is not well conserved in available vertebrate species. In addition, this alteration is predicted to be tolerated by in silico analysis. Since supporting evidence is limited at this time, the clinical significance of this alteration remains unclear.